The following is an entry in ClinVar:

ClinVar aggregate classification (germline): Uncertain significance. Review status: criteria provided, multiple submitters, no conflicts (2 of 4 stars). 7 submissions from 7 submitters: Uncertain significance (7). Last evaluated 2026-10-01.

Conditions:
Hereditary cancer-predisposing syndrome. Also called: Hereditary neoplastic syndrome; Hereditary Cancer Syndrome; Neoplastic Syndromes, Hereditary; Tumor predisposition. Identifiers: Orphanet 140162, MedGen C0027672, MeSH D009386, MONDO:0015356.
Breast-ovarian cancer, familial, susceptibility to, 4. Identifiers: Orphanet 145, MedGen C3280345, MONDO:0013669, OMIM 614291.

Allele frequency attached by ClinVar (database versions not stated): ExAC 0.00001; gnomAD 0.00001; gnomAD exomes 0.00001 and 0.00003; TOPMed 0.00003.
gnomAD v4.1: 8 of 1,613,952 alleles (0.0005%); highest among the groups gnomAD compares: Admixed American, 0.013%; no homozygotes.

Submissions (7):

St. Jude Molecular Pathology, St. Jude Children's Research Hospital
Classification: Uncertain significance for Breast-ovarian cancer, familial, susceptibility to, 4. Last evaluated: 2026-10-01. Review status: criteria provided, single submitter. Criteria: St. Jude Assertion Criteria 2020. Collection method: clinical testing. Allele origin: germline.
Comment: The RAD51D c.407A>G p.(Asp136Gly) missense change has a maximum subpopulation frequency of 0.02% in gnomAD v2.1.1 (.). The in silico tool REVEL is inconclusive about a pathogenic or benign effect of this variant on protein function, and to our knowledge functional studies have not been performed. To our knowledge, this variant has not been reported in individuals with RAD51D- associated conditions. In summary, the evidence currently available is insufficient to determine the clinical significance of this variant. It has therefore been classified as of uncertain significance.

Labcorp Genetics (formerly Invitae), Labcorp
Classification: Uncertain significance for Breast-ovarian cancer, familial, susceptibility to, 4. Last evaluated: 2025-12-18. Review status: criteria provided, single submitter. Criteria: Invitae Variant Classification Sherloc (09022015). Collection method: clinical testing. Allele origin: germline.
Comment: This sequence change replaces aspartic acid, which is acidic and polar, with glycine, which is neutral and non-polar, at codon 136 of the RAD51D protein (p.Asp136Gly). This variant is present in population databases (rs768197423, gnomAD 0.02%). This missense change has been observed in individual(s) with endometrial cancer (PMID: 27443514). ClinVar contains an entry for this variant (Variation ID: 232305). Invitae Evidence Modeling of protein sequence and biophysical properties (such as structural, functional, and spatial information, amino acid conservation, physicochemical variation, residue mobility, and thermodynamic stability) indicates that this missense variant is expected to disrupt RAD51D protein function with a positive predictive value of 80%. Studies have shown that this missense change is associated with inconclusive levels of altered splicing (internal data). In summary, the available evidence is currently insufficient to determine the role of this variant in disease. Therefore, it has been classified as a Variant of Uncertain Significance.

Ambry Genetics
Classification: Uncertain significance for Hereditary cancer-predisposing syndrome. Last evaluated: 2024-07-05. Review status: criteria provided, single submitter. Criteria: Ambry Variant Classification Scheme 2023. Collection method: clinical testing. Allele origin: germline.
Comment: The p.D136G variant (also known as c.407A>G), located in coding exon 5 of the RAD51D gene, results from an A to G substitution at nucleotide position 407. The aspartic acid at codon 136 is replaced by glycine, an amino acid with similar properties. This alteration has been previously detected in a cohort of 381 unselected endometrial cancer patients who underwent multi-gene panel testing (Ring KL et al. Mod Pathol, 2016 11;29:1381-1389). This amino acid position is highly conserved in available vertebrate species. In addition, this alteration is predicted to be deleterious by in silico analysis. Based on the available evidence, the clinical significance of this variant remains unclear.

Color Diagnostics, LLC DBA Color Health
Classification: Uncertain significance for Hereditary cancer-predisposing syndrome. Last evaluated: 2024-06-14. Review status: criteria provided, single submitter. Criteria: ACMG Guidelines, 2015. Collection method: clinical testing. Allele origin: germline.
Comment: This missense variant replaces aspartic acid with glycine at codon 136 of the RAD51D protein. Computational prediction is inconclusive regarding the impact of this variant on protein structure and function. To our knowledge, functional studies have not been reported for this variant. This variant has been reported in an individual affected with endometrial cancer (PMID: 27443514). This variant has been identified in 8/251468 chromosomes in the general population by the Genome Aggregation Database (gnomAD). The available evidence is insufficient to determine the role of this variant in disease conclusively. Therefore, this variant is classified as a Variant of Uncertain Significance.

Quest Diagnostics Nichols Institute San Juan Capistrano
Classification: Uncertain significance. Last evaluated: 2024-06-10. Review status: criteria provided, single submitter. Criteria: Quest Diagnostics criteria. Collection method: clinical testing. Allele origin: unknown.
Comment: The RAD51D c.407A>G (p.Asp136Gly) variant has been reported in the published literature in an individual with endometrial cancer (PMID: 27443514 (2016)) and in a reportedly healthy individual (PMID: 31206626 (2019)). The frequency of this variant in the general population, 0.00023 (8/34592 chromosomes (Genome Aggregation Database)), is uninformative in the assessment of its pathogenicity. Analysis of this variant using bioinformatics tools for the prediction of the effect of amino acid changes on protein structure and function yielded conflicting predictions that this variant is benign or damaging. Based on the available information, we are unable to determine the clinical significance of this variant.

Baylor Genetics
Classification: Uncertain significance for Breast-ovarian cancer, familial, susceptibility to, 4. Last evaluated: 2024-02-07. Review status: criteria provided, single submitter. Criteria: ACMG Guidelines, 2015. Collection method: clinical testing. Allele origin: unknown.

GeneDx
Classification: Uncertain significance. Last evaluated: 2017-05-02. Review status: criteria provided, single submitter. Criteria: GeneDx Variant Classification (06012015). Collection method: clinical testing. Allele origin: germline. Affected: yes.
Comment: This variant is denoted RAD51D c.407A>G at the cDNA level, p.Asp136Gly (D136G) at the protein level, and results in the change of an Aspartic Acid to a Glycine (GAT>GGT). This variant has not, to our knowledge, been published in the literature as pathogenic or benign. RAD51D Asp136Gly was not observed in approximately 6,500 individuals of European and African American ancestry in the NHLBI Exome Sequencing Project, suggesting it is not a common benign variant in these populations. Since Aspartic Acid and Glycine differ in polarity, charge, size or other properties, this is considered a non-conservative amino acid substitution. RAD51D Asp136Gly occurs at a position that is conserved across species and is located in the ATPase domain (Kim 2011). In silico analyses predict that this variant is probably damaging to protein structure and function. Based on currently available evidence, it is unclear whether RAD51D Asp136Gly is a pathogenic or benign variant. We consider it to be a variant of uncertain significance.

Literature cited by the submitters: PubMed 27443514 (cited by 4 submitters); PubMed 31206626 (cited by Quest Diagnostics Nichols Institute San Juan Capistrano).

NM_002878.4(RAD51D):c.407A>G (p.Asp136Gly)

Genes: RAD51D (RAD51 paralog D; minus strand), RAD51L3-RFFL (RAD51L3-RFFL readthrough; minus strand). Cytogenetic location: 17q12.
Variant type: single nucleotide variant.
Coding change: c.407A>G on transcript NM_002878.4 (MANE Select); coding-DNA position 407, A replaced by G.
Protein change: p.Asp136Gly; replaces aspartic acid 136 with glycine.
Molecular consequence: missense variant. On other transcripts: non-coding transcript variant (1), intron variant (1).
Genome position (GRCh38, 1-based): chr17:35,107,061, T>C on the plus strand (A>G on the coding strand, the complement: RAD51D is on the minus strand). VCF-style: chr17-35107061-T-C. GRCh37 (hg19) VCF-style: chr17-33434080-T-C.
Other names: c.467A>G, p.Asp156Gly (NM_001142571.2); c.145-580A>G (NM_133629.3); short protein forms D136G, D156G.
Identifiers: ClinVar variation 232305 (VCV000232305.25), dbSNP rs768197423, ClinGen allele CA8499482.